The following is an entry in ClinVar:

ClinVar aggregate classification (germline): Uncertain significance (1 of 4 stars; one submission).

Allele frequency attached by ClinVar (database versions not stated): ExAC 0.00001; gnomAD 0.00001; gnomAD exomes 0.00001; TOPMed 0.00001; ESP Exome Variant Server 0.00008.

Submission:

Labcorp Genetics (formerly Invitae), Labcorp
Classification: Uncertain significance. Last evaluated: 2022-05-03. Review status: criteria provided, single submitter. Criteria: Invitae Variant Classification Sherloc (09022015). Collection method: clinical testing. Allele origin: germline.
Comment: In summary, the available evidence is currently insufficient to determine the role of this variant in disease. Therefore, it has been classified as a Variant of Uncertain Significance. Algorithms developed to predict the effect of missense changes on protein structure and function are either unavailable or do not agree on the potential impact of this missense change (SIFT: "Tolerated"; PolyPhen-2: "Possibly Damaging"; Align-GVGD: "Class C15"). This variant has not been reported in the literature in individuals affected with NDUFS3-related conditions. This variant is present in population databases (rs376813247, gnomAD 0.004%). This sequence change replaces glycine, which is neutral and non-polar, with arginine, which is basic and polar, at codon 257 of the NDUFS3 protein (p.Gly257Arg).

NM_004551.3(NDUFS3):c.769G>A (p.Gly257Arg)

Gene: NDUFS3 (NADH:ubiquinone oxidoreductase core subunit S3; plus strand). Cytogenetic location: 11p11.2.
Variant type: single nucleotide variant.
Coding change: c.769G>A on transcript NM_004551.3 (MANE Select); coding-DNA position 769, G replaced by A.
Protein change: p.Gly257Arg; replaces glycine 257 with arginine.
Molecular consequence: missense variant.
Genome position (GRCh38, 1-based): chr11:47,584,455, G>A. VCF-style: chr11-47584455-G-A. GRCh37 (hg19) VCF-style: chr11-47606007-G-A.
Other names: short protein forms G257R.
Identifiers: ClinVar variation 1976087 (VCV001976087.4), dbSNP rs376813247, ClinGen allele CA5978097.
Genomic context (GRCh38, chr11:47,584,455, plus strand): 5'-AGCCCCTGGGAGGCTTTCCCAGTCTATCGCCAACCCCCGGAGAGTCTCAAGCTTGAAGCC[G>A]GAGACAAGAAGCCTGATGCCAAGTAGCTCCAGGGAACGCATGTGGATCCTAGACAGCGCC-3'
Protein context (NP_004542.1, residues 247-264): QPPESLKLEA[Gly257Arg]DKKPDAK